The following is an entry in ClinVar:

NM_014908.4(DOLK):c.907T>C (p.Tyr303His)

Gene: DOLK (dolichol kinase; minus strand). Cytogenetic location: 9q34.11.
Variant type: single nucleotide variant.
Coding change: c.907T>C on transcript NM_014908.4 (MANE Select); coding-DNA position 907, T replaced by C.
Protein change: p.Tyr303His; replaces tyrosine 303 with histidine.
Molecular consequence: missense variant.
Genome position (GRCh38, 1-based): chr9:128,946,397, A>G on the plus strand (T>C on the coding strand, the complement: DOLK is on the minus strand). VCF-style: chr9-128946397-A-G. GRCh37 (hg19) VCF-style: chr9-131708676-A-G.
Other names: short protein forms Y303H.
Identifiers: ClinVar variation 2563478 (VCV002563478.2), dbSNP rs2492004062, ClinGen allele CA375121766.

ClinVar aggregate classification (germline): Uncertain significance (1 of 4 stars; one submission).

Conditions:
Cardiovascular phenotype. Identifiers: MedGen CN230736.

Submission:

Ambry Genetics
Classification: Uncertain significance for Cardiovascular phenotype. Last evaluated: 2023-05-29. Review status: criteria provided, single submitter. Criteria: Ambry Variant Classification Scheme 2023. Collection method: clinical testing. Allele origin: germline.
Comment: The p.Y303H variant (also known as c.907T>C), located in coding exon 1 of the DOLK gene, results from a T to C substitution at nucleotide position 907. The tyrosine at codon 303 is replaced by histidine, an amino acid with similar properties. This amino acid position is conserved. In addition, this alteration is predicted to be deleterious by in silico analysis. Since supporting evidence is limited at this time, the clinical significance of this alteration remains unclear.